The following is an entry in ClinVar:

ClinVar aggregate classification (germline): Uncertain significance (1 of 4 stars; one submission).

Conditions:
Early-infantile DEE. Also called: Early infantile epileptic encephalopathy with suppression bursts; Early infantile epileptic encephalopathy; Ohtahara syndrome. Identifiers: Orphanet 1934, MedGen C0393706, MONDO:0800491.

Allele frequency attached by ClinVar (database versions not stated): TOPMed below 0.00001; gnomAD 0.00001; ExAC 0.00002; gnomAD exomes below 0.00001.
gnomAD v4.1: 6 of 1,605,446 alleles (0.00037%); highest among the groups gnomAD compares: Non-Finnish European, 0.00043%; no homozygotes.

Submission:

Labcorp Genetics (formerly Invitae), Labcorp
Classification: Uncertain significance for Early-infantile DEE. Last evaluated: 2022-12-26. Review status: criteria provided, single submitter. Criteria: Invitae Variant Classification Sherloc (09022015). Collection method: clinical testing. Allele origin: germline.
Comment: This sequence change replaces glutamic acid, which is acidic and polar, with aspartic acid, which is acidic and polar, at codon 1455 of the SCN1A protein (p.Glu1455Asp). This variant is present in population databases (rs746963769, gnomAD 0.004%). This variant has not been reported in the literature in individuals affected with SCN1A-related conditions. Advanced modeling of protein sequence and biophysical properties (such as structural, functional, and spatial information, amino acid conservation, physicochemical variation, residue mobility, and thermodynamic stability) performed at Invitae indicates that this missense variant is not expected to disrupt SCN1A protein function. In summary, the available evidence is currently insufficient to determine the role of this variant in disease. Therefore, it has been classified as a Variant of Uncertain Significance.

NM_001165963.4(SCN1A):c.4365A>C (p.Glu1455Asp)

Genes: SCN1A (sodium voltage-gated channel alpha subunit 1; minus strand), LOC102724058 (uncharacterized LOC102724058; plus strand). Cytogenetic location: 2q24.3.
Variant type: single nucleotide variant.
Coding change: c.4365A>C on transcript NM_001165963.4 (MANE Select); coding-DNA position 4365, A replaced by C.
Protein change: p.Glu1455Asp; replaces glutamic acid 1455 with aspartic acid.
Molecular consequence: missense variant. On other transcripts: non-coding transcript variant (1).
Genome position (GRCh38, 1-based): chr2:165,998,149, T>G on the plus strand (A>C on the coding strand, the complement: SCN1A is on the minus strand). VCF-style: chr2-165998149-T-G. GRCh37 (hg19) VCF-style: chr2-166854659-T-G.
Other names: c.4281A>C, p.Glu1427Asp (NM_001165964.3, NM_001353957.2, NM_001353958.2); c.4365A>C, p.Glu1455Asp (NM_001202435.3, NM_001353948.2); c.4332A>C, p.Glu1444Asp (NM_001353949.2, NM_001353950.2, NM_001353951.2 and 2 more transcripts); c.4329A>C, p.Glu1443Asp (NM_001353954.2, NM_001353955.2); c.4278A>C, p.Glu1426Asp (NM_001353960.2); c.1923A>C, p.Glu641Asp (NM_001353961.2); short protein forms E1444D, E1426D, E1427D, E1455D, E1443D, E641D.
Identifiers: ClinVar variation 2185744 (VCV002185744.4), dbSNP rs746963769, ClinGen allele CA1942806.
Genomic context (GRCh38, chr2:165,998,149, plus strand): 5'-CAAGGTGAAGAAGGACCCAAAGATGATGAAAATAACAAAGTAAAGATACATGTACAGACT[T>G]TCTTCATACTTAGGCTGGAGTTCCACCTACCAAAGGGGAATATTTTGTAAAATATTACCA-3'
Protein context (NP_001159435.1, residues 1445-1465): RNVELQPKYE[Glu1455Asp]SLYMYLYFVI